The following is an entry in ClinVar:

ClinVar aggregate classification (germline): Conflicting classifications of pathogenicity. Review status: criteria provided, conflicting classifications (1 of 4 stars). 2 submissions from 2 submitters: Uncertain significance (1); Likely benign (1). Last evaluated 2018-01-12.

Conditions:
Diamond-Blackfan anemia 1 (DBA1). Also called: RPS19-Related Diamond-Blackfan Anemia; BLACKFAN-DIAMOND SYNDROME; ANEMIA, CONGENITAL HYPOPLASTIC, OF BLACKFAN AND DIAMOND; ANEMIA, CONGENITAL ERYTHROID HYPOPLASTIC; RED CELL APLASIA, PURE, HEREDITARY; AREGENERATIVE ANEMIA, CHRONIC CONGENITAL. Identifiers: Orphanet 124, MedGen C2676137, MONDO:0007110, OMIM 105650.

Allele frequency attached by ClinVar (database versions not stated): gnomAD 0.00002; TOPMed 0.00002; ExAC 0.00003; gnomAD exomes 0.00003.
gnomAD v4.1: 87 of 1,611,262 alleles (0.0054%); highest among the groups gnomAD compares: Non-Finnish European, 0.0061%; no homozygotes.

Submissions (2):

Illumina Laboratory Services, Illumina
Classification: Likely benign for Diamond-Blackfan anemia 1. Last evaluated: 2018-01-12. Review status: criteria provided, single submitter. Criteria: ICSL Variant Classification Criteria 13 December 2019. Collection method: clinical testing. Allele origin: germline.
Comment: This variant was observed in the ICSL laboratory as part of a predisposition screen in an ostensibly healthy population. It had not been previously curated by ICSL or reported in the Human Gene Mutation Database (HGMD: prior to June 1st, 2018), and was therefore a candidate for classification through an automated scoring system. Utilizing variant allele frequency, disease prevalence and penetrance estimates, and inheritance mode, an automated score was calculated to assess if this variant is too frequent to cause the disease. Based on the score and internal cut-off values, a variant classified as likely benign is not then subjected to further curation. The score for this variant resulted in a classification of likely benign for this disease.

Genetic Services Laboratory, University of Chicago
Classification: Uncertain significance. Last evaluated: 2016-05-27. Review status: criteria provided, single submitter. Criteria: ACMG Guidelines, 2015. Collection method: clinical testing. Allele origin: germline. Affected: no.

NM_001022.4(RPS19):c.1-7C>T

Genes: RPS19 (ribosomal protein S19; plus strand), RPS19-CD79A (RPS19-CD79A readthrough; plus strand). Cytogenetic location: 19q13.2.
Variant type: single nucleotide variant.
Coding change: c.1-7C>T on transcript NM_001022.4 (MANE Select); 7 bases into the intron before coding-DNA position 1, C replaced by T.
Molecular consequence: intron variant.
Genome position (GRCh38, 1-based): chr19:41,860,768, C>T. VCF-style: chr19-41860768-C-T. GRCh37 (hg19) VCF-style: chr19-42364838-C-T.
Other names: c.1-7C>T (NM_001321484.2, NM_001321485.2, NM_001321483.2).
Identifiers: ClinVar variation 436552 (VCV000436552.9), dbSNP rs782801643, ClinGen allele CA9465249.